The following is an entry in ClinVar:

NM_177438.3(DICER1):c.1381A>G (p.Ile461Val)

Gene: DICER1 (dicer 1, ribonuclease III; minus strand). Cytogenetic location: 14q32.13.
Variant type: single nucleotide variant.
Coding change: c.1381A>G on transcript NM_177438.3 (MANE Select); coding-DNA position 1381, A replaced by G.
Protein change: p.Ile461Val; replaces isoleucine 461 with valine.
Molecular consequence: missense variant.
Genome position (GRCh38, 1-based): chr14:95,117,750, T>C on the plus strand (A>G on the coding strand, the complement: DICER1 is on the minus strand). VCF-style: chr14-95117750-T-C. GRCh37 (hg19) VCF-style: chr14-95584087-T-C.
Other names: NM_177438.3(DICER1):c.1381A>G; p.Ile461Val; c.1381A>G, p.Ile461Val (NM_001195573.1, NM_001271282.3, NM_001291628.2 and 1 more transcripts); short protein forms I461V.
Identifiers: ClinVar variation 242037 (VCV000242037.31), dbSNP rs141163928, ClinGen allele CA7331487.

ClinVar aggregate classification (germline): Benign. Review status: reviewed by expert panel (3 of 4 stars). 12 submissions from 12 submitters: Benign (1). 11 of the submissions do not count toward it. Last evaluated 2024-06-25.

Conditions:
DICER1-related tumor predisposition. Also called: DICER1-related pleuropulmonary blastoma cancer predisposition syndrome; DICER1 syndrome. Identifiers: Orphanet 284343, MedGen C3839822, MONDO:0100216.
Hereditary cancer-predisposing syndrome. Also called: Hereditary Cancer Syndrome; Tumor predisposition; Hereditary neoplastic syndrome; Neoplastic Syndromes, Hereditary. Identifiers: Orphanet 140162, MedGen C0027672, MeSH D009386, MONDO:0015356.
Malignant tumor of breast. Also called: Malignant breast neoplasm; Cancer breast. Identifiers: MedGen C0006142, MONDO:0007254. Disease mechanism: loss of function.

Allele frequency attached by ClinVar (database versions not stated): gnomAD 0.00003; ESP Exome Variant Server 0.00015; TOPMed 0.00015.
gnomAD v4.1: 253 of 1,613,762 alleles (0.016%); highest among the groups gnomAD compares: Middle Eastern, 0.53%; 1 homozygote.

Submissions (12):

ClinGen DICER1 and miRNA-Processing Gene Variant Curation Expert Panel, ClinGen
Classification: Benign for DICER1-related tumor predisposition. Last evaluated: 2024-06-25. Review status: reviewed by expert panel. Criteria: ClinGen DICER1 ACMG Specifications DICER1 V1.3.0. Collection method: curation. Allele origin: germline. Inheritance: Autosomal dominant inheritance.
Comment: The NM_177438.3:c.1381A>G variant in DICER1 is a missense variant predicted to cause substitution of isoleucine by valine at amino acid 461 (p.Ile461Val). The highest population minor allele frequency in gnomAD v4.1.0 is 0.005261 (32/6082 alleles) in the Middle Eastern population, which is higher than the ClinGen DICER1 VCEP threshold (>0.003) for BA1, and therefore meets this criterion (BA1). In summary, this variant meets the criteria to be classified as Benign for DICER1-related tumor predisposition based on the ACMG/AMP criteria applied, as specified by the ClinGen DICER1 VCEP: BA1. (Bayesian Points: NA; VCEP specifications version 1.3.0; 06/25/2024)

Labcorp Genetics (formerly Invitae), Labcorp
Classification: Benign for DICER1-related tumor predisposition. Last evaluated: 2026-02-01. Review status: criteria provided, single submitter. Criteria: Invitae Variant Classification Sherloc (09022015). Collection method: clinical testing. Allele origin: germline. Not counted in ClinVar's aggregate classification.

Center for Genomic Medicine, Rigshospitalet, Copenhagen University Hospital
Classification: Benign. Last evaluated: 2025-12-29. Review status: criteria provided, single submitter. Criteria: ACMG Guidelines, 2015. Collection method: clinical testing. Allele origin: germline. Not counted in ClinVar's aggregate classification.

Quest Diagnostics Nichols Institute San Juan Capistrano
Classification: Likely benign. Last evaluated: 2025-07-24. Review status: criteria provided, single submitter. Criteria: Quest Diagnostics criteria. Collection method: clinical testing. Allele origin: unknown. Not counted in ClinVar's aggregate classification.

Blueprint Genetics
Classification: Likely benign. Last evaluated: 2024-10-25. Review status: criteria provided, single submitter. Criteria: ACMG Guidelines, 2015. Collection method: clinical testing. Allele origin: germline. Not counted in ClinVar's aggregate classification.

GeneDx
Classification: Uncertain significance. Last evaluated: 2023-06-16. Review status: criteria provided, single submitter. Criteria: GeneDx Variant Classification Process June 2021. Collection method: clinical testing. Allele origin: germline. Affected: yes. Not counted in ClinVar's aggregate classification.
Comment: In silico analysis supports that this missense variant does not alter protein structure/function; Identified in a patient with pituitary macroadenoma (Martnez de LaPiscina et al., 2020); This variant is associated with the following publications: (PMID: 21266384, 34313605, 35384518, 32714280)

Revvity Omics, Revvity
Classification: Likely benign. Last evaluated: 2023-05-19. Review status: criteria provided, single submitter. Criteria: ACMG Guidelines, 2015. Collection method: clinical testing. Allele origin: germline. Not counted in ClinVar's aggregate classification.

Ambry Genetics
Classification: Likely benign for Hereditary cancer-predisposing syndrome. Last evaluated: 2021-04-20. Review status: criteria provided, single submitter. Criteria: Ambry Variant Classification Scheme 2023. Collection method: clinical testing. Allele origin: germline. Not counted in ClinVar's aggregate classification.

Sema4
Classification: Likely benign for Hereditary cancer-predisposing syndrome. Last evaluated: 2020-09-17. Review status: criteria provided, single submitter. Criteria: Sema4 Curation Guidelines. Collection method: curation. Allele origin: germline. Not counted in ClinVar's aggregate classification.

PreventionGenetics, part of Exact Sciences
Classification: Uncertain significance. Last evaluated: 2018-12-04. Review status: criteria provided, single submitter. Criteria: ACMG Guidelines, 2015. Collection method: clinical testing. Allele origin: germline. Not counted in ClinVar's aggregate classification.

Illumina Laboratory Services, Illumina
Classification: Benign for Pleuropulmonary blastoma. Last evaluated: 2018-01-12. Review status: criteria provided, single submitter. Criteria: ICSL Variant Classification Criteria 13 December 2019. Collection method: clinical testing. Allele origin: germline. Not counted in ClinVar's aggregate classification.
Comment: This variant was observed in the ICSL laboratory as part of a predisposition screen in an ostensibly healthy population. It had not been previously curated by ICSL or reported in the Human Gene Mutation Database (HGMD: prior to June 1st, 2018), and was therefore a candidate for classification through an automated scoring system. Utilizing variant allele frequency, disease prevalence and penetrance estimates, and inheritance mode, an automated score was calculated to assess if this variant is too frequent to cause the disease. Based on the score and internal cut-off values, a variant classified as benign is not then subjected to further curation. The score for this variant resulted in a classification of benign for this disease.

Center of Medical Genetics and Primary Health Care
Classification: Benign for Breast Cancer. Review status: no assertion criteria provided. Collection method: clinical testing. Allele origin: germline. Affected: yes. Not counted in ClinVar's aggregate classification.

Literature cited by the submitters: PubMed 38874686 (cited by Quest Diagnostics Nichols Institute San Juan Capistrano); PubMed 39256447 (cited by Quest Diagnostics Nichols Institute San Juan Capistrano); PubMed 31428572 (cited by Quest Diagnostics Nichols Institute San Juan Capistrano); PubMed 33558524 (cited by Quest Diagnostics Nichols Institute San Juan Capistrano); PubMed 32714280 (cited by 3 submitters).